The following is an entry in ClinVar:

NM_007035.4(KERA):c.729A>G (p.Arg243=)

Gene: KERA (keratocan; minus strand). Cytogenetic location: 12q21.33.
Variant type: single nucleotide variant.
Coding change: c.729A>G on transcript NM_007035.4 (MANE Select); coding-DNA position 729, A replaced by G.
Protein change: p.Arg243=; no amino-acid change (arginine 243 retained).
Molecular consequence: synonymous variant.
Genome position (GRCh38, 1-based): chr12:91,055,553, T>C on the plus strand (A>G on the coding strand, the complement: KERA is on the minus strand). VCF-style: chr12-91055553-T-C. GRCh37 (hg19) VCF-style: chr12-91449330-T-C.
Identifiers: ClinVar variation 2643214 (VCV002643214.24), dbSNP rs1878977073, ClinGen allele CA481306614.

ClinVar aggregate classification (germline): Likely benign (1 of 4 stars; one submission).

Allele frequency attached by ClinVar (database versions not stated): gnomAD exomes below 0.00001; gnomAD 0.00001.
gnomAD v4.1: 2 of 1,610,534 alleles (0.00012%); highest among the groups gnomAD compares: African/African-American, 0.0013%; no homozygotes.

Submission:

CeGaT Center for Human Genetics Tuebingen
Classification: Likely benign. Last evaluated: 2022-07-01. Review status: criteria provided, single submitter. Criteria: CeGaT Center For Human Genetics Tuebingen Variant Classification Criteria Version 2. Collection method: clinical testing. Allele origin: germline. Affected: yes. Observed: 1 variant allele.
Comment: KERA: BP4, BP7